The following is an entry in ClinVar:

NM_000660.7(TGFB1):c.396T>C (p.Tyr132=)

Gene: TGFB1 (transforming growth factor beta 1; minus strand). Cytogenetic location: 19q13.2.
Variant type: single nucleotide variant.
Coding change: c.396T>C on transcript NM_000660.7 (MANE Select); coding-DNA position 396, T replaced by C.
Protein change: p.Tyr132=; no amino-acid change (tyrosine 132 retained).
Molecular consequence: synonymous variant.
Genome position (GRCh38, 1-based): chr19:41,348,415, A>G on the plus strand (T>C on the coding strand, the complement: TGFB1 is on the minus strand). VCF-style: chr19-41348415-A-G. GRCh37 (hg19) VCF-style: chr19-41854320-A-G.
Other names: p.Tyr132=.
Identifiers: ClinVar variation 1558458 (VCV001558458.10), dbSNP rs199696548, ClinGen allele CA9460103.

ClinVar aggregate classification (germline): Likely benign. Review status: criteria provided, multiple submitters, no conflicts (2 of 4 stars). 3 submissions from 3 submitters: Likely benign (3). Last evaluated 2025-07-07.

Allele frequency attached by ClinVar (database versions not stated): gnomAD exomes 0.00002 and 0.00003; ExAC 0.00003; gnomAD 0.00003 and 0.00004; TOPMed 0.00003.
gnomAD v4.1: 29 of 1,613,010 alleles (0.0018%); highest among the groups gnomAD compares: Admixed American, 0.005%; no homozygotes.

Submissions (3):

Mayo Clinic Laboratories, Mayo Clinic
Classification: Likely benign. Last evaluated: 2025-07-07. Review status: criteria provided, single submitter. Criteria: ACMG Guidelines, 2015. Collection method: clinical testing. Allele origin: germline. Observed: 1 variant allele.
Comment: BP4, BP7

Labcorp Genetics (formerly Invitae), Labcorp
Classification: Likely benign. Last evaluated: 2025-06-27. Review status: criteria provided, single submitter. Criteria: Invitae Variant Classification Sherloc (09022015). Collection method: clinical testing. Allele origin: germline.

Blueprint Genetics
Classification: Likely benign. Last evaluated: 2024-06-13. Review status: criteria provided, single submitter. Criteria: ACMG Guidelines, 2015. Collection method: clinical testing. Allele origin: germline.